The following is an entry in ClinVar:

ClinVar aggregate classification (germline): Pathogenic. Review status: criteria provided, multiple submitters, no conflicts (2 of 4 stars). 2 submissions from 2 submitters: Pathogenic (2). Last evaluated 2021-08-22.

Conditions:
CHM-related disorders.

Submissions (2):

Labcorp Genetics (formerly Invitae), Labcorp
Classification: Pathogenic. Last evaluated: 2021-08-22. Review status: criteria provided, single submitter. Criteria: Invitae Variant Classification Sherloc (09022015). Collection method: clinical testing. Allele origin: germline.
Comment: For these reasons, this variant has been classified as Pathogenic. This sequence change creates a premature translational stop signal (p.Glu304*) in the CHM gene. It is expected to result in an absent or disrupted protein product. Loss-of-function variants in CHM are known to be pathogenic (PMID: 9067750, 23811034). This variant is not present in population databases (ExAC no frequency). This premature translational stop signal has been observed in individual(s) with choroideremia (PMID: 27247961).

Blueprint Genetics
Classification: Pathogenic for CHM-related disorders. Last evaluated: 2020-11-03. Review status: criteria provided, single submitter. Criteria: ACMG Guidelines, 2015. Collection method: clinical testing. Allele origin: germline. Affected: yes. Observed: 1 variant allele.

Literature cited by the submitters: PubMed 9067750 (cited by Labcorp Genetics (formerly Invitae), Labcorp); PubMed 23811034 (cited by Labcorp Genetics (formerly Invitae), Labcorp); PubMed 27247961 (cited by Labcorp Genetics (formerly Invitae), Labcorp).

NM_000390.4(CHM):c.910G>T (p.Glu304Ter)

Gene: CHM (CHM Rab escort protein; minus strand). Cytogenetic location: Xq21.2.
Variant type: single nucleotide variant.
Coding change: c.910G>T on transcript NM_000390.4 (MANE Select); coding-DNA position 910, G replaced by T.
Protein change: p.Glu304Ter; replaces glutamic acid 304 with a stop codon.
Molecular consequence: nonsense.
Genome position (GRCh38, 1-based): chrX:85,957,885, C>A on the plus strand (G>T on the coding strand, the complement: CHM is on the minus strand). VCF-style: chrX-85957885-C-A. GRCh37 (hg19) VCF-style: chrX-85212890-C-A.
Other names: c.466G>T, p.Glu156Ter (NM_001320959.1, NM_001362517.1, NM_001362518.2 and 1 more transcripts); short protein forms E304*, E156*.
Identifiers: ClinVar variation 1455560 (VCV001455560.7), dbSNP rs2147665683, ClinGen allele CA413785718.